The following is an entry in ClinVar:

NM_199420.4(POLQ):c.3113G>A (p.Ser1038Asn)

Gene: POLQ (DNA polymerase theta; minus strand). Cytogenetic location: 3q13.33.
Variant type: single nucleotide variant.
Coding change: c.3113G>A on transcript NM_199420.4 (MANE Select); coding-DNA position 3113, G replaced by A.
Protein change: p.Ser1038Asn; replaces serine 1038 with asparagine.
Molecular consequence: missense variant.
Genome position (GRCh38, 1-based): chr3:121,489,818, C>T on the plus strand (G>A on the coding strand, the complement: POLQ is on the minus strand). VCF-style: chr3-121489818-C-T. GRCh37 (hg19) VCF-style: chr3-121208665-C-T.
Other names: short protein forms S1038N.
Identifiers: ClinVar variation 2497199 (VCV002497199.2), dbSNP rs757173123, ClinGen allele CA2563126.

ClinVar aggregate classification (germline): Uncertain significance (1 of 4 stars; one submission).

Allele frequency attached by ClinVar (database versions not stated): ExAC 0.00001; gnomAD exomes 0.00001; TOPMed 0.00001.
gnomAD v4.1: 3 of 1,612,654 alleles (0.00019%); highest among the groups gnomAD compares: Admixed American, 0.005%; no homozygotes.

Submission:

Ambry Genetics
Classification: Uncertain significance. Last evaluated: 2023-02-03. Review status: criteria provided, single submitter. Criteria: Ambry Variant Classification Scheme 2023. Collection method: clinical testing. Allele origin: germline.
Comment: The p.S1038N variant (also known as c.3113G>A), located in coding exon 16 of the POLQ gene, results from a G to A substitution at nucleotide position 3113. The serine at codon 1038 is replaced by asparagine, an amino acid with highly similar properties. This amino acid position is conserved. In addition, this alteration is predicted to be tolerated by in silico analysis. Since supporting evidence is limited at this time, the clinical significance of this alteration remains unclear.